The following is an entry in ClinVar:

NM_001903.5(CTNNA1):c.1063-5del

Gene: CTNNA1 (catenin alpha 1; plus strand). Cytogenetic location: 5q31.2.
Variant type: Deletion.
Coding change: c.1063-5del on transcript NM_001903.5 (MANE Select); 5 bases into the intron before coding-DNA position 1063, one base deleted (T; older notation c.1063-5delT).
Molecular consequence: intron variant.
Genome position (GRCh38, 1-based): chr5:138,886,207, T deleted. VCF-style (leftmost placement, unchanged base first): chr5-138886206-AT-A. GRCh37 (hg19) VCF-style: chr5-138221895-AT-A.
Other names: c.1063-5del (NM_001323982.2, NM_001323984.2, NM_001290307.3 and 3 more transcripts); c.694-5del (NM_001290310.3); c.754-5del (NM_001290309.3); c.-48-5del (NM_001323996.1, NM_001323993.1, NM_001324005.1 and 18 more transcripts); c.-445-5del (NM_001324007.1, NM_001324009.1, NM_001324006.1 and 1 more transcripts); c.-320-5del (NM_001324013.1); c.-58+10610del (NM_001324012.1); c.-61+10610del (NM_001324010.1); and 1 more.
Identifiers: ClinVar variation 1142848 (VCV001142848.10), dbSNP rs2150023851, ClinGen allele CA2499217655.

ClinVar aggregate classification (germline): Conflicting classifications of pathogenicity. Review status: criteria provided, conflicting classifications (1 of 4 stars). 2 submissions from 2 submitters: Uncertain significance (1); Likely benign (1). Last evaluated 2024-03-01.

Conditions:
Hereditary cancer-predisposing syndrome. Also called: Hereditary Cancer Syndrome; Neoplastic Syndromes, Hereditary; Hereditary neoplastic syndrome; Tumor predisposition. Identifiers: Orphanet 140162, MedGen C0027672, MeSH D009386, MONDO:0015356.

Submissions (2):

Ambry Genetics
Classification: Uncertain significance for Hereditary cancer-predisposing syndrome. Last evaluated: 2024-03-01. Review status: criteria provided, single submitter. Criteria: Ambry Variant Classification Scheme 2023. Collection method: clinical testing. Allele origin: germline.
Comment: The c.1063-5delT intronic variant is located 5 nucleotides before coding exon 7 of the CTNNA1 gene. This variant results from a deletion of one nucleotide at position c.1063-5. This nucleotide position is not well conserved in available vertebrate species. In silico splice site analysis predicts that this alteration will not have any significant effect on splicing. The evidence for this gene-disease relationship is limited; therefore, the clinical significance of this alteration is unclear.

Labcorp Genetics (formerly Invitae), Labcorp
Classification: Likely benign. Last evaluated: 2020-06-08. Review status: criteria provided, single submitter. Criteria: Invitae Variant Classification Sherloc (09022015). Collection method: clinical testing. Allele origin: germline.